The following is an entry in ClinVar:

ClinVar aggregate classification (germline): Uncertain significance (1 of 4 stars; one submission).

Allele frequency attached by ClinVar (database versions not stated): gnomAD exomes below 0.00001; ExAC 0.00001.
gnomAD v4.1: 4 of 1,614,024 alleles (0.00025%); highest among the groups gnomAD compares: Middle Eastern, 0.016%; no homozygotes.

Submission:

Mayo Clinic Laboratories, Mayo Clinic
Classification: Uncertain significance. Last evaluated: 2022-10-07. Review status: criteria provided, single submitter. Criteria: ACMG Guidelines, 2015. Collection method: clinical testing. Allele origin: germline. Observed: 1 variant allele.
Comment: PP3

NM_024411.5(PDYN):c.653T>C (p.Leu218Pro)

Genes: PDYN (prodynorphin; minus strand), PDYN-AS1 (PDYN antisense RNA 1; plus strand). Cytogenetic location: 20p13.
Variant type: single nucleotide variant.
Coding change: c.653T>C on transcript NM_024411.5 (MANE Select); coding-DNA position 653, T replaced by C.
Protein change: p.Leu218Pro; replaces leucine 218 with proline.
Molecular consequence: missense variant.
Genome position (GRCh38, 1-based): chr20:1,980,435, A>G on the plus strand (T>C on the coding strand, the complement: PDYN is on the minus strand). VCF-style: chr20-1980435-A-G. GRCh37 (hg19) VCF-style: chr20-1961081-A-G.
Other names: p.Leu218Pro; c.653T>C, p.Leu218Pro (NM_001190892.1, NM_001190898.3, NM_001190899.2 and 1 more transcripts); short protein forms L218P.
Identifiers: ClinVar variation 2683526 (VCV002683526.1), dbSNP rs754978602, ClinGen allele CA9730238.